The following is an entry in ClinVar:

ClinVar aggregate classification (germline): Uncertain significance (1 of 4 stars; one submission).

Submission:

GeneDx
Classification: Uncertain significance. Last evaluated: 2026-03-24. Review status: criteria provided, single submitter. Criteria: GeneDx Variant Classification Process June 2021. Collection method: clinical testing. Allele origin: germline.
Comment: Not observed at significant frequency in large population cohorts (gnomAD); In silico analysis supports that this missense variant has a deleterious effect on protein structure/function; Has not been previously published as pathogenic or benign to our knowledge

NM_005996.4(TBX3):c.397T>A (p.Phe133Ile)

Gene: TBX3 (T-box transcription factor 3; minus strand). Cytogenetic location: 12q24.21.
Variant type: single nucleotide variant.
Coding change: c.397T>A on transcript NM_005996.4 (MANE Select); coding-DNA position 397, T replaced by A.
Protein change: p.Phe133Ile; replaces phenylalanine 133 with isoleucine.
Molecular consequence: missense variant.
Genome position (GRCh38, 1-based): chr12:114,681,139, A>T on the plus strand (T>A on the coding strand, the complement: TBX3 is on the minus strand). VCF-style: chr12-114681139-A-T. GRCh37 (hg19) VCF-style: chr12-115118944-A-T.
Other names: c.397T>A, p.Phe133Ile (NM_016569.4); short protein forms F133I.
Identifiers: ClinVar variation 5017370 (VCV005017370.1).